The following is an entry in ClinVar:

ClinVar aggregate classification (germline): Uncertain significance. Review status: criteria provided, multiple submitters, no conflicts (2 of 4 stars). 2 submissions from 2 submitters: Uncertain significance (2). Last evaluated 2026-07-06.

Conditions:
Hereditary cancer-predisposing syndrome. Also called: Tumor predisposition; Hereditary Cancer Syndrome; Hereditary neoplastic syndrome; Neoplastic Syndromes, Hereditary. Identifiers: Orphanet 140162, MedGen C0027672, MeSH D009386, MONDO:0015356.

Submissions (2):

Ambry Genetics
Classification: Uncertain significance for Hereditary cancer-predisposing syndrome. Last evaluated: 2026-07-06. Review status: criteria provided, single submitter. Criteria: Ambry Variant Classification Scheme 2023. Collection method: clinical testing. Allele origin: germline.
Comment: The p.L124R variant (also known as c.371T>G), located in coding exon 3 of the SUFU gene, results from a T to G substitution at nucleotide position 371. The leucine at codon 124 is replaced by arginine, an amino acid with dissimilar properties. This amino acid position is conserved. In addition, this alteration is predicted to be deleterious by in silico analysis. Based on the available evidence, the clinical significance of this variant remains unclear.

GeneDx
Classification: Uncertain significance. Last evaluated: 2023-12-03. Review status: criteria provided, single submitter. Criteria: GeneDx Variant Classification Process June 2021. Collection method: clinical testing. Allele origin: germline. Affected: yes.
Comment: Not observed at significant frequency in large population cohorts (gnomAD); In silico analysis supports that this missense variant has a deleterious effect on protein structure/function; Has not been previously published as pathogenic or benign to our knowledge; This variant is associated with the following publications: (PMID: 24311597)

NM_016169.4(SUFU):c.371T>G (p.Leu124Arg)

Gene: SUFU (SUFU negative regulator of hedgehog signaling; plus strand). Cytogenetic location: 10q24.32.
Variant type: single nucleotide variant.
Coding change: c.371T>G on transcript NM_016169.4 (MANE Select); coding-DNA position 371, T replaced by G.
Protein change: p.Leu124Arg; replaces leucine 124 with arginine.
Molecular consequence: missense variant.
Genome position (GRCh38, 1-based): chr10:102,550,023, T>G. VCF-style: chr10-102550023-T-G. GRCh37 (hg19) VCF-style: chr10-104309780-T-G.
Other names: c.371T>G, p.Leu124Arg (NM_001178133.2); short protein forms L124R.
Identifiers: ClinVar variation 3365261 (VCV003365261.2).